The following is an entry in ClinVar:

ClinVar aggregate classification (germline): Uncertain significance (1 of 4 stars; one submission).

Conditions:
Gorlin syndrome. Also called: Nevoid Basal Cell Carcinoma Syndrome; Basal cell nevus syndrome. Identifiers: Orphanet 377, MedGen C0004779, MONDO:0007187.

Submission:

Labcorp Genetics (formerly Invitae), Labcorp
Classification: Uncertain significance for Gorlin syndrome. Last evaluated: 2021-07-03. Review status: criteria provided, single submitter. Criteria: Invitae Variant Classification Sherloc (09022015). Collection method: clinical testing. Allele origin: germline.
Comment: This variant is not present in population databases (ExAC no frequency). This sequence change replaces aspartic acid with glutamic acid at codon 695 of the PTCH1 protein (p.Asp695Glu). The aspartic acid residue is weakly conserved and there is a small physicochemical difference between aspartic acid and glutamic acid. This variant has not been reported in the literature in individuals affected with PTCH1-related conditions. Advanced modeling of protein sequence and biophysical properties (such as structural, functional, and spatial information, amino acid conservation, physicochemical variation, residue mobility, and thermodynamic stability) performed at Invitae indicates that this missense variant is not expected to disrupt PTCH1 protein function. In summary, the available evidence is currently insufficient to determine the role of this variant in disease. Therefore, it has been classified as a Variant of Uncertain Significance.

NM_000264.5(PTCH1):c.2085C>A (p.Asp695Glu)

Genes: PTCH1 (patched 1; minus strand), LOC100507346 (uncharacterized LOC100507346; plus strand). Cytogenetic location: 9q22.32.
Variant type: single nucleotide variant.
Coding change: c.2085C>A on transcript NM_000264.5 (MANE Select); coding-DNA position 2085, C replaced by A.
Protein change: p.Asp695Glu; replaces aspartic acid 695 with glutamic acid.
Molecular consequence: missense variant. On other transcripts: non-coding transcript variant (2).
Genome position (GRCh38, 1-based): chr9:95,468,916, G>T on the plus strand (C>A on the coding strand, the complement: PTCH1 is on the minus strand). VCF-style: chr9-95468916-G-T. GRCh37 (hg19) VCF-style: chr9-98231198-G-T.
Other names: c.1887C>A, p.Asp629Glu (NM_001083602.3); c.2082C>A, p.Asp694Glu (NM_001083603.3); c.1632C>A, p.Asp544Glu (NM_001083604.3, NM_001083605.3, NM_001083606.3 and 1 more transcripts); c.1929C>A, p.Asp643Glu (NM_001354918.2); short protein forms D695E, D643E, D694E, D544E, D629E.
Identifiers: ClinVar variation 1493515 (VCV001493515.8), dbSNP rs1452372504, ClinGen allele CA374115691.
Genomic context (GRCh38, chr9:95,468,916, plus strand): 5'-GAACTGGGAGAGCAGGTCCCTTGTGGAGCTGGTGCTCTCTGGGCTCTGGCAGCTGAGGGT[G>T]TCCTGTGTCACGGTGACGGGCTGCACAGAGATCTCGGAGCGCGGCTCAGCGGTGGTGTAG-3'
Protein context (NP_000255.2, residues 685-705): ISVQPVTVTQ[Asp695Glu]TLSCQSPEST